The following is an entry in ClinVar:

NM_001943.5(DSG2):c.335A>G (p.Asn112Ser)

Gene: DSG2 (desmoglein 2; plus strand). Cytogenetic location: 18q12.1.
Variant type: single nucleotide variant.
Coding change: c.335A>G on transcript NM_001943.5 (MANE Select); coding-DNA position 335, A replaced by G.
Protein change: p.Asn112Ser; replaces asparagine 112 with serine.
Molecular consequence: missense variant.
Genome position (GRCh38, 1-based): chr18:31,520,921, A>G. VCF-style: chr18-31520921-A-G. GRCh37 (hg19) VCF-style: chr18-29100884-A-G.
Other names: c.335A>G (NM_001943.3); short protein forms N112S.
Identifiers: ClinVar variation 1395726 (VCV001395726.7), dbSNP rs2144315760, ClinGen allele CA402131597.
Genomic context (GRCh38, chr18:31,520,921, plus strand): 5'-AAGGGATTACAGAGCCACCTTTTGGTATATTTGTCTTTAACAAAGATACTGGAGAACTGA[A>G]TGTTACCAGCATTCTTGATCGAGAAGAAACACCATTTTTTCTGGTAAGAAGAATAATTTT-3'
Protein context (NP_001934.2, residues 102-122): FVFNKDTGEL[Asn112Ser]VTSILDREET

ClinVar aggregate classification (germline): Uncertain significance. Review status: criteria provided, multiple submitters, no conflicts (2 of 4 stars). 2 submissions from 2 submitters: Uncertain significance (2). Last evaluated 2025-03-18.

Conditions:
Arrhythmogenic right ventricular dysplasia 10. Also called: ARRHYTHMOGENIC RIGHT VENTRICULAR DYSPLASIA, FAMILIAL, 10; Arrhythmogenic right ventricular dysplasia/cardiomyopathy, type 10; Arrhythmogenic Right Ventricular Dysplasia/Cardiomyopathy10. Identifiers: MedGen C1857777, MONDO:0012434, OMIM 610193.

Submissions (2):

GeneDx
Classification: Uncertain significance. Last evaluated: 2025-03-18. Review status: criteria provided, single submitter. Criteria: GeneDx Variant Classification Process June 2021. Collection method: clinical testing. Allele origin: germline. Affected: yes.
Comment: Not observed at significant frequency in large population cohorts (gnomAD); In silico analysis supports that this missense variant has a deleterious effect on protein structure/function; Has not been previously published as pathogenic or benign to our knowledge

Labcorp Genetics (formerly Invitae), Labcorp
Classification: Uncertain significance for Arrhythmogenic right ventricular dysplasia 10. Last evaluated: 2022-07-19. Review status: criteria provided, single submitter. Criteria: Invitae Variant Classification Sherloc (09022015). Collection method: clinical testing. Allele origin: germline.
Comment: In summary, the available evidence is currently insufficient to determine the role of this variant in disease. Therefore, it has been classified as a Variant of Uncertain Significance. Algorithms developed to predict the effect of missense changes on protein structure and function output the following: SIFT: "Tolerated"; PolyPhen-2: "Benign"; Align-GVGD: "Class C0". The serine amino acid residue is found in multiple mammalian species, which suggests that this missense change does not adversely affect protein function. ClinVar contains an entry for this variant (Variation ID: 1395726). This variant has not been reported in the literature in individuals affected with DSG2-related conditions. This variant is not present in population databases (gnomAD no frequency). This sequence change replaces asparagine, which is neutral and polar, with serine, which is neutral and polar, at codon 112 of the DSG2 protein (p.Asn112Ser).